The following is an entry in ClinVar:

ClinVar aggregate classification (germline): Likely pathogenic. Review status: reviewed by expert panel (3 of 4 stars). 2 submissions from 2 submitters: Likely pathogenic (1). 1 of the submissions does not count toward it. Last evaluated 2025-01-30.

Conditions:
GUCY2D-related recessive retinopathy. Also called: Recessive GUCY2D retinopathy. Identifiers: MedGen CN305603, MONDO:0100453.
Cone-rod dystrophy 6 (CORD6). Also called: RETINAL CONE DYSTROPHY 2; Cone dystrophy progressive. Identifiers: Orphanet 1872, MedGen C1866293, MONDO:0011143, OMIM 601777.
Leber congenital amaurosis 1 (LCA1). Also called: RETINAL BLINDNESS, CONGENITAL; AMAUROSIS CONGENITA OF LEBER I; Congenital absence of the rods and cones; Leber's congenital tapetoretinal degeneration; Leber's congenital tapetoretinal dysplasia. Identifiers: Orphanet 65, MedGen C2931258, MONDO:0008764, OMIM 204000.

Allele frequency attached by ClinVar (database versions not stated): ExAC 0.00001; ESP Exome Variant Server 0.00008.

Submissions (2):

ClinGen Leber Congenital Amaurosis/early Onset Retinal Dystrophy Variant Curation Expert Panel, ClinGen
Classification: Likely pathogenic for GUCY2D-related recessive retinopathy. Last evaluated: 2025-01-30. Review status: reviewed by expert panel. Criteria: ClinGen LCAeoRD ACMG Specifications GUCY2D V1.0.0. Collection method: curation. Allele origin: germline. Inheritance: Autosomal recessive inheritance.
Comment: NM_000180.4(GUCY2D):c.743C>G (p.Ser248Trp) is a missense variant predicted to replace serine with tryptophan at position p.248 in the RetGC-1 protein. This variant is present in gnomAD v4.1.0 at a total allele frequency of 0.000001240, with 2 alleles / 1,612,844 total alleles, which is lower than the ClinGen LCA/eoRD VCEP PM2_Supporting threshold of <0.0004 (PM2_Supporting). This variant has been reported in at least 1 proband with early-onset severe retinal dystrophy who was compound heterozygous with the NM_000180.4(GUCY2D):c.3224+1G>C variant suspected in trans (0.5 points, PMID: 23035049), which was previously classified pathogenic by the ClinGen LCA/eoRD VCEP (0.5 total points, PM3_Supporting). At least one proband harboring this variant exhibits a phenotype including diagnosis of Leber congenital amaurosis (0.5 pts), decreased central visual acuity (1 pt) with onset in the first year of life (1 pt), nystagmus (1 pt), decreased peripheral vision (1 pt), retinal vessel attenuation with granularity of peripheral fundus (0.5 pts), outer nuclear layer thickness on OCT within normal limits (1 pt), poor pupillary light response (0.5 pts), and undetectable electroretinogram responses from rods (0.5 pts). and cones (1 pt), which together are highly specific for GUCY2D-related recessive retinopathy (total 8 points, PMID: 23035049, PP4). The computational predictor REVEL gives a score of 0.878, which is above the ClinGen LCA/eoRD VCEP threshold of ≥0.773 and predicts a damaging effect on RetGC-1 protein function (PP3_Moderate). Gucy2e-knockout mouse retinas injected with an adeno-associated virus-packaged GUCY2D construct encoding the p.Ser248Trp variant showed mRNA levels similar to the wild-type control but dramatically reduced protein levels and essentially no cGMP production, indicating that it triggers a severe defect in protein function (PMID: 27881908, PS3_Supporting). Another missense variant in the same codon (NM_000180.4(GUCY2D):c.743C>T (p.Ser248Leu)) has been reported in association with GUCY2D-related recessive retinopathy (PMID: 26957854). However, the variant has not yet been classified by the LCA/eoRD VCEP, so the PM5 code is not met. In summary, this variant meets the criteria to be classified as likely pathogenic for GUCY2D-related recessive retinopathy based on the ACMG/AMP criteria applied, as specified by the ClinGen LCA/eoRD VCEP: PM2_Supporting, PP3_Moderate, PM3_Supporting, PP4, and PS3_Supporting. (VCEP specifications version 1.0.0; date of approval 01/22/2025).

Labcorp Genetics (formerly Invitae), Labcorp
Classification: Uncertain significance for Leber congenital amaurosis 1; Cone-rod dystrophy 6. Last evaluated: 2021-07-14. Review status: criteria provided, single submitter. Criteria: Invitae Variant Classification Sherloc (09022015). Collection method: clinical testing. Allele origin: germline. Not counted in ClinVar's aggregate classification.
Comment: This sequence change replaces serine with tryptophan at codon 248 of the GUCY2D protein (p.Ser248Trp). The serine residue is highly conserved and there is a large physicochemical difference between serine and tryptophan. This variant is present in population databases (rs138922415, ExAC 0.002%). This missense change has been observed in individual(s) with autosomal recessive inherited retinal dystrophy (PMID: 23035049). Algorithms developed to predict the effect of missense changes on protein structure and function (SIFT, PolyPhen-2, Align-GVGD) all suggest that this variant is likely to be disruptive. Experimental studies are conflicting or provide insufficient evidence to determine the effect of this variant on GUCY2D protein function (PMID: 23035049, 27881908). In summary, the available evidence is currently insufficient to determine the role of this variant in disease. Therefore, it has been classified as a Variant of Uncertain Significance.

Literature cited by the submitters: PubMed 23035049 (cited by Labcorp Genetics (formerly Invitae), Labcorp); PubMed 27881908 (cited by Labcorp Genetics (formerly Invitae), Labcorp).

NM_000180.4(GUCY2D):c.743C>G (p.Ser248Trp)

Gene: GUCY2D (guanylate cyclase 2D, retinal; plus strand). Cytogenetic location: 17p13.1.
Variant type: single nucleotide variant.
Coding change: c.743C>G on transcript NM_000180.4 (MANE Select); coding-DNA position 743, C replaced by G.
Protein change: p.Ser248Trp; replaces serine 248 with tryptophan.
Molecular consequence: missense variant.
Genome position (GRCh38, 1-based): chr17:8,003,873, C>G. VCF-style: chr17-8003873-C-G. GRCh37 (hg19) VCF-style: chr17-7907191-C-G.
Other names: NM_000180.4(GUCY2D):c.743C>G; p.Ser248Trp; short protein forms S248W.
Identifiers: ClinVar variation 1445009 (VCV001445009.5), dbSNP rs138922415, ClinGen allele CA8365564.
Genomic context (GRCh38, chr17:8,003,873, plus strand): 5'-GCAGCCGGACGGCGCCGCGAGCCAAGCCTCTGTCCGCAGCAGTGATCATGGTGATGCACT[C>G]GGTGCTGCTGGGTGGCGAGGAGCAGCGCTACCTCCTGGAGGCCGCAGAGGAGCTGGGCCT-3'
Protein context (NP_000171.1, residues 238-258): RVTAVIMVMH[Ser248Trp]VLLGGEEQRY